The following is an entry in ClinVar:

ClinVar aggregate classification (germline): Uncertain significance. Review status: criteria provided, multiple submitters, no conflicts (2 of 4 stars). 2 submissions from 2 submitters: Uncertain significance (2). Last evaluated 2025-07-30.

Conditions:
Dilated cardiomyopathy 1KK (CMD1KK). Identifiers: Orphanet 154, Orphanet 75249, MedGen C3714995, MONDO:0014100, OMIM 615248.

Allele frequency attached by ClinVar (database versions not stated): TOPMed 0.00001; gnomAD exomes 0.00002; gnomAD 0.00001.
gnomAD v4.1: 16 of 1,613,940 alleles (0.00099%); highest among the groups gnomAD compares: Non-Finnish European, 0.0014%; no homozygotes.

Submissions (2):

Mayo Clinic Laboratories, Mayo Clinic
Classification: Uncertain significance. Last evaluated: 2025-07-30. Review status: criteria provided, single submitter. Criteria: ACMG Guidelines, 2015. Collection method: clinical testing. Allele origin: germline. Observed: 1 variant allele.
Comment: PM1_supporting, PM2_supporting, PS3_supporting

Labcorp Genetics (formerly Invitae), Labcorp
Classification: Uncertain significance for Dilated cardiomyopathy 1KK. Last evaluated: 2022-11-08. Review status: criteria provided, single submitter. Criteria: Invitae Variant Classification Sherloc (09022015). Collection method: clinical testing. Allele origin: germline.
Comment: This variant has not been reported in the literature in individuals affected with MYPN-related conditions. This variant is present in population databases (no rsID available, gnomAD 0.0009%). This sequence change replaces proline, which is neutral and non-polar, with threonine, which is neutral and polar, at codon 651 of the MYPN protein (p.Pro651Thr). In summary, the available evidence is currently insufficient to determine the role of this variant in disease. Therefore, it has been classified as a Variant of Uncertain Significance. Algorithms developed to predict the effect of missense changes on protein structure and function are either unavailable or do not agree on the potential impact of this missense change (SIFT: "Deleterious"; PolyPhen-2: "Probably Damaging"; Align-GVGD: "Class C0").

Literature cited by the submitters: PubMed 11309420 (cited by Mayo Clinic Laboratories, Mayo Clinic).

NM_032578.4(MYPN):c.1951C>A (p.Pro651Thr)

Gene: MYPN (myopalladin; plus strand). Cytogenetic location: 10q21.3.
Variant type: single nucleotide variant.
Coding change: c.1951C>A on transcript NM_032578.4 (MANE Select); coding-DNA position 1951, C replaced by A.
Protein change: p.Pro651Thr; replaces proline 651 with threonine.
Molecular consequence: missense variant. On other transcripts: non-coding transcript variant (2).
Genome position (GRCh38, 1-based): chr10:68,166,644, C>A. VCF-style: chr10-68166644-C-A. GRCh37 (hg19) VCF-style: chr10-69926401-C-A.
Other names: p.Pro651Thr; c.1951C>A, p.Pro651Thr (NM_001256267.2); c.1069C>A, p.Pro357Thr (NM_001256268.2); short protein forms P651T, P357T.
Identifiers: ClinVar variation 2049015 (VCV002049015.4), dbSNP rs1451376667, ClinGen allele CA376841051.
Genomic context (GRCh38, chr10:68,166,644, plus strand): 5'-AGGTTCAACGGACAGGCAACAAAAACCCCAGAGCCTTCTTCCCCCGTGAAAGAGCCCCCT[C>A]CAGTTCTGGCCAAACCCAAACTGTAAGTAAAAAGTAGGATGAATAACCAGGAGCTTCTGT-3'
Protein context (NP_115967.2, residues 641-661): EPSSPVKEPP[Pro651Thr]VLAKPKLDST